The following is an entry in ClinVar:

ClinVar aggregate classification (germline): Uncertain significance (1 of 4 stars; one submission).

Conditions:
Multiple endocrine neoplasia, type 1 (MEN1). Also called: MEN I; WERMER SYNDROME; Endocrine adenomatosis multiple; MEN 1; MEA I. Identifiers: Orphanet 652, MedGen C0025267, MeSH D018761, MONDO:0007540, OMIM 131100.

Submission:

Labcorp Genetics (formerly Invitae), Labcorp
Classification: Uncertain significance for Multiple endocrine neoplasia, type 1. Last evaluated: 2024-04-05. Review status: criteria provided, single submitter. Criteria: Invitae Variant Classification Sherloc (09022015). Collection method: clinical testing. Allele origin: germline.
Comment: This sequence change replaces glutamic acid, which is acidic and polar, with aspartic acid, which is acidic and polar, at codon 359 of the MEN1 protein (p.Glu359Asp). This variant is not present in population databases (gnomAD no frequency). This variant has not been reported in the literature in individuals affected with MEN1-related conditions. ClinVar contains an entry for this variant (Variation ID: 1718526). Advanced modeling of protein sequence and biophysical properties (such as structural, functional, and spatial information, amino acid conservation, physicochemical variation, residue mobility, and thermodynamic stability) has been performed at Invitae for this missense variant, however the output from this modeling did not meet the statistical confidence thresholds required to predict the impact of this variant on MEN1 protein function. In summary, the available evidence is currently insufficient to determine the role of this variant in disease. Therefore, it has been classified as a Variant of Uncertain Significance.

NM_001370259.2(MEN1):c.1077G>T (p.Glu359Asp)

Gene: MEN1 (menin 1; minus strand). Cytogenetic location: 11q13.1.
Variant type: single nucleotide variant.
Coding change: c.1077G>T on transcript NM_001370259.2 (MANE Select); coding-DNA position 1077, G replaced by T.
Protein change: p.Glu359Asp; replaces glutamic acid 359 with aspartic acid.
Molecular consequence: missense variant.
Genome position (GRCh38, 1-based): chr11:64,805,743, C>A on the plus strand (G>T on the coding strand, the complement: MEN1 is on the minus strand). VCF-style: chr11-64805743-C-A. GRCh37 (hg19) VCF-style: chr11-64573215-C-A.
Other names: c.1092G>T, p.Glu364Asp (NM_000244.4, NM_130800.3, NM_130801.3 and 4 more transcripts); c.1203G>T, p.Glu401Asp (NM_001370251.2, NM_001407142.1, NM_001407143.1 and 1 more transcripts); c.1077G>T, p.Glu359Asp (NM_001370260.2, NM_001370261.2, NM_130799.3 and 3 more transcripts); c.972G>T, p.Glu324Asp (NM_001370262.2, NM_001370263.2, NM_001407148.1 and 1 more transcripts); c.1218G>T, p.Glu406Asp (NM_001407150.1); c.1098G>T, p.Glu366Asp (NM_001407151.1); short protein forms E324D, E359D, E364D, E366D, E401D, E406D.
Identifiers: ClinVar variation 1718526 (VCV001718526.5), dbSNP rs1303492254, ClinGen allele CA381182799.